The following is an entry in ClinVar:

ClinVar aggregate classification (germline): Uncertain significance (1 of 4 stars; one submission).

Conditions:
Intellectual disability, autosomal recessive 53 (NEDHSCA). Also called: NEURODEVELOPMENTAL DISORDER WITH OR WITHOUT HYPOTONIA, SEIZURES, AND CEREBELLAR ATROPHY; GLYCOSYLPHOSPHATIDYLINOSITOL BIOSYNTHESIS DEFECT 13; Mental retardation, autosomal recessive 53. Identifiers: Orphanet 488635, MedGen C4310794, MONDO:0014832, OMIM 616917.

Submission:

Labcorp Genetics (formerly Invitae), Labcorp
Classification: Uncertain significance for Intellectual disability, autosomal recessive 53. Last evaluated: 2021-11-19. Review status: criteria provided, single submitter. Criteria: Invitae Variant Classification Sherloc (09022015). Collection method: clinical testing. Allele origin: germline.
Comment: This sequence change replaces aspartic acid, which is acidic and polar, with glycine, which is neutral and non-polar, at codon 692 of the PIGG protein (p.Asp692Gly). This variant is not present in population databases (gnomAD no frequency). This variant has not been reported in the literature in individuals affected with PIGG-related conditions. Algorithms developed to predict the effect of missense changes on protein structure and function are either unavailable or do not agree on the potential impact of this missense change (SIFT: "Tolerated"; PolyPhen-2: "Possibly Damaging"; Align-GVGD: "Class C0"). In summary, the available evidence is currently insufficient to determine the role of this variant in disease. Therefore, it has been classified as a Variant of Uncertain Significance.

NM_001127178.3(PIGG):c.2075A>G (p.Asp692Gly)

Gene: PIGG (phosphatidylinositol glycan anchor biosynthesis class G (EMM blood group); plus strand). Cytogenetic location: 4p16.3.
Variant type: single nucleotide variant.
Coding change: c.2075A>G on transcript NM_001127178.3 (MANE Select); coding-DNA position 2075, A replaced by G.
Protein change: p.Asp692Gly; replaces aspartic acid 692 with glycine.
Molecular consequence: missense variant. On other transcripts: non-coding transcript variant (10).
Genome position (GRCh38, 1-based): chr4:527,044, A>G. VCF-style: chr4-527044-A-G. GRCh37 (hg19) VCF-style: chr4-520833-A-G.
Other names: c.1808A>G, p.Asp603Gly (NM_001289051.2, NM_001345986.2); c.1676A>G, p.Asp559Gly (NM_001289052.2); c.1784A>G, p.Asp595Gly (NM_001345987.2); c.1046A>G, p.Asp349Gly (NM_001345988.2); c.542A>G, p.Asp181Gly (NM_001345990.2, NM_001345991.2); c.977A>G, p.Asp326Gly (NM_001345994.2); c.2051A>G, p.Asp684Gly (NM_017733.5); short protein forms D349G, D684G, D181G, D559G, D326G, D595G, D603G, D692G.
Identifiers: ClinVar variation 1392885 (VCV001392885.6), dbSNP rs1727829781, ClinGen allele CA355908445.